The following is an entry in ClinVar:

ClinVar aggregate classification (germline): Uncertain significance (1 of 4 stars; one submission).

Conditions:
SEMA3B-related disorder. Also called: SEMA3B-related condition.

gnomAD v4.1: 2 of 1,608,948 alleles (0.00012%); highest among the groups gnomAD compares: Admixed American, 0.0017%; no homozygotes.

Submission:

PreventionGenetics, part of Exact Sciences
Classification: Uncertain significance for SEMA3B-related condition. Last evaluated: 2025-12-15. Review status: criteria provided, single submitter. Criteria: ACMG Guidelines, 2015. Collection method: clinical testing. Allele origin: germline.
Comment: The SEMA3B c.1460T>A variant is predicted to result in the amino acid substitution p.Phe487Tyr. To our knowledge, this variant has not been reported in the literature or in a large population database (gnomAD), indicating this variant is rare. At this time, the clinical significance of this variant is uncertain due to the absence of conclusive functional and genetic evidence.

NM_001290060.2(SEMA3B):c.1445T>A (p.Phe482Tyr)

Gene: SEMA3B (semaphorin 3B; plus strand). Cytogenetic location: 3p21.31.
Variant type: single nucleotide variant.
Coding change: c.1445T>A on transcript NM_001290060.2 (MANE Select); coding-DNA position 1445, T replaced by A.
Protein change: p.Phe482Tyr; replaces phenylalanine 482 with tyrosine.
Molecular consequence: missense variant. On other transcripts: non-coding transcript variant (1).
Genome position (GRCh38, 1-based): chr3:50,274,930, T>A. VCF-style: chr3-50274930-T-A. GRCh37 (hg19) VCF-style: chr3-50312361-T-A.
Other names: c.1442T>A, p.Phe481Tyr (NM_001005914.3, NM_001435957.1, NM_001435958.1); c.1460T>A, p.Phe487Tyr (NM_001290061.1); c.416T>A, p.Phe139Tyr (NM_001290062.2, NM_001290063.2); c.1445T>A, p.Phe482Tyr (NM_001435956.1, NM_004636.4); short protein forms F139Y, F481Y, F487Y, F482Y.
Identifiers: ClinVar variation 4987344 (VCV004987344.1).
Genomic context (GRCh38, chr3:50,274,930, plus strand): 5'-CGGTCCCCAAGGGCAGTAGGCCCAGCGCAGAGGGGCTGCTCCTGGAGGAGCTGCACGTGT[T>A]TGAGGTGAGGCCTCACCCCCAGTCGCCCGGGACCCCCCCACCCCACTAAGCCCTGACCCC-3'
Protein context (NP_001276989.1, residues 472-492): EGLLLEELHV[Phe482Tyr]EDSAAVTSMQ